The following is an entry in ClinVar:

NM_198271.5(LMOD3):c.1252G>A (p.Ala418Thr)

Gene: LMOD3 (leiomodin 3; minus strand). Cytogenetic location: 3p14.1.
Variant type: single nucleotide variant.
Coding change: c.1252G>A on transcript NM_198271.5 (MANE Select); coding-DNA position 1252, G replaced by A.
Protein change: p.Ala418Thr; replaces alanine 418 with threonine.
Molecular consequence: missense variant.
Genome position (GRCh38, 1-based): chr3:69,119,103, C>T on the plus strand (G>A on the coding strand, the complement: LMOD3 is on the minus strand). VCF-style: chr3-69119103-C-T. GRCh37 (hg19) VCF-style: chr3-69168254-C-T.
Other names: c.1252G>A, p.Ala418Thr (NM_001304418.3); short protein forms A418T.
Identifiers: ClinVar variation 2056430 (VCV002056430.1), dbSNP rs781698148, ClinGen allele CA2488833.

ClinVar aggregate classification (germline): Uncertain significance (1 of 4 stars; one submission).

Conditions:
Nemaline myopathy 10 (NEM10). Identifiers: MedGen C4015360, MONDO:0014513, OMIM 616165.

Allele frequency attached by ClinVar (database versions not stated): gnomAD exomes below 0.00001; gnomAD 0.00001; ExAC 0.00002; TOPMed 0.00003.
gnomAD v4.1: 4 of 1,613,724 alleles (0.00025%); highest among the groups gnomAD compares: Admixed American, 0.0067%; no homozygotes.

Submission:

Labcorp Genetics (formerly Invitae), Labcorp
Classification: Uncertain significance for Nemaline myopathy 10. Last evaluated: 2022-06-10. Review status: criteria provided, single submitter. Criteria: Invitae Variant Classification Sherloc (09022015). Collection method: clinical testing. Allele origin: germline.
Comment: This sequence change replaces alanine, which is neutral and non-polar, with threonine, which is neutral and polar, at codon 418 of the LMOD3 protein (p.Ala418Thr). This variant is present in population databases (rs781698148, gnomAD 0.006%). This variant has not been reported in the literature in individuals affected with LMOD3-related conditions. Algorithms developed to predict the effect of missense changes on protein structure and function (SIFT, PolyPhen-2, Align-GVGD) all suggest that this variant is likely to be tolerated. In summary, the available evidence is currently insufficient to determine the role of this variant in disease. Therefore, it has been classified as a Variant of Uncertain Significance.